The following is an entry in ClinVar:

ClinVar aggregate classification (germline): Uncertain significance (1 of 4 stars; one submission).

Submission:

Labcorp Genetics (formerly Invitae), Labcorp
Classification: Uncertain significance. Last evaluated: 2024-02-02. Review status: criteria provided, single submitter. Criteria: Invitae Variant Classification Sherloc (09022015). Collection method: clinical testing. Allele origin: germline.
Comment: This sequence change replaces leucine, which is neutral and non-polar, with methionine, which is neutral and non-polar, at codon 1397 of the COL11A2 protein (p.Leu1397Met). This variant is not present in population databases (gnomAD no frequency). This variant has not been reported in the literature in individuals affected with COL11A2-related conditions. Advanced modeling of protein sequence and biophysical properties (such as structural, functional, and spatial information, amino acid conservation, physicochemical variation, residue mobility, and thermodynamic stability) performed at Invitae indicates that this missense variant is not expected to disrupt COL11A2 protein function with a negative predictive value of 95%. In summary, the available evidence is currently insufficient to determine the role of this variant in disease. Therefore, it has been classified as a Variant of Uncertain Significance.

NM_080680.3(COL11A2):c.4189C>A (p.Leu1397Met)

Gene: COL11A2 (collagen type XI alpha 2 chain; minus strand). Cytogenetic location: 6p21.32.
Variant type: single nucleotide variant.
Coding change: c.4189C>A on transcript NM_080680.3 (MANE Select); coding-DNA position 4189, C replaced by A.
Protein change: p.Leu1397Met; replaces leucine 1397 with methionine.
Molecular consequence: missense variant.
Genome position (GRCh38, 1-based): chr6:33,167,111, G>T on the plus strand (C>A on the coding strand, the complement: COL11A2 is on the minus strand). VCF-style: chr6-33167111-G-T. GRCh37 (hg19) VCF-style: chr6-33134888-G-T.
Other names: c.4009C>A, p.Leu1337Met (NM_001424108.1); c.3343C>A, p.Leu1115Met (NM_001424109.1); c.3163C>A, p.Leu1055Met (NM_001424110.1, NM_001424111.1); c.2143C>A, p.Leu715Met (NM_001424112.1); c.3868C>A, p.Leu1290Met (NM_080679.3); c.3931C>A, p.Leu1311Met (NM_080681.3); short protein forms L1115M, L1337M, L715M, L1055M, L1290M, L1397M, L1311M.
Identifiers: ClinVar variation 3635243 (VCV003635243.2).